The following is an entry in ClinVar:

NM_001009999.3(KDM1A):c.1420A>C (p.Asn474His)

Gene: KDM1A (lysine demethylase 1A; plus strand). Cytogenetic location: 1p36.12.
Variant type: single nucleotide variant.
Coding change: c.1420A>C on transcript NM_001009999.3 (MANE Select); coding-DNA position 1420, A replaced by C.
Protein change: p.Asn474His; replaces asparagine 474 with histidine.
Molecular consequence: missense variant.
Genome position (GRCh38, 1-based): chr1:23,071,231, A>C. VCF-style: chr1-23071231-A-C. GRCh37 (hg19) VCF-style: chr1-23397724-A-C.
Other names: c.1348A>C, p.Asn450His (NM_001363654.2, NM_001410763.1, NM_015013.4); c.1408A>C, p.Asn470His (NM_001410762.1); short protein forms N450H, N470H, N474H.
Identifiers: ClinVar variation 3863299 (VCV003863299.1).
Genomic context (GRCh38, chr1:23,071,231, plus strand): 5'-AGACATAAACTACATTGCTATCTGGAATGGTAAATTTGTATTTTTCCTTCTTAGATGGTA[A>C]ATTTGAAAGAGAAAATTAAAGAACTCCATCAGCAATACAAAGAAGCATCTGAAGTAAAGC-3'
Protein context (NP_001009999.1, residues 464-484): ELKELLNKMV[Asn474His]LKEKIKELHQ

ClinVar aggregate classification (germline): Uncertain significance (1 of 4 stars; one submission).

Conditions:
Inborn genetic diseases. Identifiers: MedGen C0950123, MeSH D030342.

Submission:

Ambry Genetics
Classification: Uncertain significance for Inborn genetic diseases. Last evaluated: 2025-02-01. Review status: criteria provided, single submitter. Criteria: Ambry Variant Classification Scheme 2023. Collection method: clinical testing. Allele origin: germline.
Comment: The p.N474H variant (also known as c.1420A>C), located in coding exon 13 of the KDM1A gene, results from an A to C substitution at nucleotide position 1420. The asparagine at codon 474 is replaced by histidine, an amino acid with similar properties. This amino acid position is conserved. In addition, this alteration is predicted to be tolerated by in silico analysis. Based on the available evidence, the clinical significance of this variant remains unclear.